The following is an entry in ClinVar:

ClinVar aggregate classification (germline): Uncertain significance (1 of 4 stars; one submission).

Submission:

Ambry Genetics
Classification: Uncertain significance. Last evaluated: 2026-05-12. Review status: criteria provided, single submitter. Criteria: Ambry Variant Classification Scheme 2023. Collection method: clinical testing. Allele origin: germline.
Comment: The c.169G>C (p.E57Q) alteration is located in exon 2 (coding exon 1) of the ARHGAP36 gene. This alteration results from a G to C substitution at nucleotide position 169, causing the glutamic acid (E) at amino acid position 57 to be replaced by a glutamine (Q). Based on data from gnomAD, the C allele has an overall frequency of <0.001% (1/183394) total alleles studied. The highest observed frequency was 0.001% (1/81869) of European (non-Finnish) alleles. Based on insufficient or conflicting evidence, the clinical significance of this alteration remains unclear.

NM_144967.4(ARHGAP36):c.169G>C (p.Glu57Gln)

Gene: ARHGAP36 (Rho GTPase activating protein 36; plus strand). Cytogenetic location: Xq26.1.
Variant type: single nucleotide variant.
Coding change: c.169G>C on transcript NM_144967.4 (MANE Select); coding-DNA position 169, G replaced by C.
Protein change: p.Glu57Gln; replaces glutamic acid 57 with glutamine.
Molecular consequence: missense variant.
Genome position (GRCh38, 1-based): chrX:131,081,834, G>C. VCF-style: chrX-131081834-G-C. GRCh37 (hg19) VCF-style: chrX-130215808-G-C.
Other names: c.133G>C, p.Glu45Gln (NM_001282607.2); short protein forms E45Q, E57Q.
Identifiers: ClinVar variation 4863154 (VCV004863154.1).